The following is an entry in ClinVar:

NM_182914.3(SYNE2):c.16385C>T (p.Ser5462Phe)

Gene: SYNE2 (spectrin repeat containing nuclear envelope protein 2; plus strand). Cytogenetic location: 14q23.2.
Variant type: single nucleotide variant.
Coding change: c.16385C>T on transcript NM_182914.3 (MANE Select); coding-DNA position 16385, C replaced by T.
Protein change: p.Ser5462Phe; replaces serine 5462 with phenylalanine.
Molecular consequence: missense variant.
Genome position (GRCh38, 1-based): chr14:64,163,487, C>T. VCF-style: chr14-64163487-C-T. GRCh37 (hg19) VCF-style: chr14-64630205-C-T.
Other names: c.16385C>T, p.Ser5462Phe (NM_015180.6); short protein forms S5462F.
Identifiers: ClinVar variation 2846701 (VCV002846701.3), dbSNP rs760415594, ClinGen allele CA389960111.

ClinVar aggregate classification (germline): Uncertain significance (1 of 4 stars; one submission).

Conditions:
Emery-Dreifuss muscular dystrophy 5, autosomal dominant (EDMD5). Also called: EMERY-DREIFUSS MUSCULAR DYSTROPHY 5. Identifiers: Orphanet 261, MedGen C2751805, MONDO:0013072, OMIM 612999.

Submission:

Labcorp Genetics (formerly Invitae), Labcorp
Classification: Uncertain significance for Emery-Dreifuss muscular dystrophy 5, autosomal dominant. Last evaluated: 2023-03-24. Review status: criteria provided, single submitter. Criteria: Invitae Variant Classification Sherloc (09022015). Collection method: clinical testing. Allele origin: germline.
Comment: This sequence change replaces serine, which is neutral and polar, with phenylalanine, which is neutral and non-polar, at codon 5462 of the SYNE2 protein (p.Ser5462Phe). This variant is not present in population databases (gnomAD no frequency). This variant has not been reported in the literature in individuals affected with SYNE2-related conditions. An algorithm developed to predict the effect of missense changes on protein structure and function (PolyPhen-2) suggests that this variant is likely to be disruptive. In summary, the available evidence is currently insufficient to determine the role of this variant in disease. Therefore, it has been classified as a Variant of Uncertain Significance.